The following continues an entry in ClinVar:

NM_002834.5(PTPN11):c.1403C>T (p.Thr468Met)

Gene: PTPN11. ClinVar aggregate classification (germline): Pathogenic. Pathogenic (1).

Submissions 5 to 12 of 52:

Ambry Genetics
Classification: Pathogenic for Cardiovascular phenotype. Last evaluated: 2025-07-16. Review status: criteria provided, single submitter. Criteria: Ambry Variant Classification Scheme 2023. Collection method: clinical testing. Allele origin: germline. Not counted in ClinVar's aggregate classification.
Comment: The p.T468M pathogenic mutation (also known as c.1403C>T), located in coding exon 12 of the PTPN11 gene, results from a C to T substitution at nucleotide position 1403. The threonine at codon 468 is replaced by methionine, an amino acid with similar properties. This variant was identified in one or more individuals with features consistent with PTPN11-related RASopathy and segregated with disease in at least one family (Digilio MC et al. Am. J. Hum. Genet., 2002 Aug;71:389-94; Sarkozy A et al. J. Med. Genet., 2003 Sep;40:704-8; Tartaglia M et al. Am. J. Hum. Genet., 2006 Feb;78:279-90; Carcavilla A et al. Eur. J. Pediatr., 2011 Aug;170:1069-74; Kindel SJ et al. J. Card. Fail., 2012 May;18:396-403). Medulloblastoma has been reported in an individual with this mutation (Rankin J et al. Am. J. Med. Genet. A, 2013 Aug;161A:2027-9). In multiple assays testing PTPN11 function, this variant showed functionally abnormal results (Hanna N et al. FEBS Lett., 2006 May;580:2477-82; Tartaglia M et al. Am. J. Hum. Genet., 2006 Feb;78:279-90). This amino acid position is highly conserved in available vertebrate species. In addition, this alteration is predicted to be deleterious by in silico analysis. This variant is considered to be rare based on population cohorts in the Genome Aggregation Database (gnomAD). Based on the supporting evidence, this alteration is interpreted as a disease-causing mutation for PTPN11-related RASopathy; however, it is unlikely to be causative of metachondromatosis.

Clinical Biomedical Laboratory, Shriners Hospital For Children - Canada
Classification: Pathogenic for LEOPARD syndrome 1. Last evaluated: 2025-05-12. Review status: criteria provided, single submitter. Criteria: ACMG Guidelines, 2015. Collection method: clinical testing. Allele origin: germline. Affected: yes. Not counted in ClinVar's aggregate classification.
Comment: This variant is predicted to substitute a threonine residue by a methionine residue. This variant is found at very low frequency in the general population databases (Genome Aggregation Database v. 2.1.1). This specific variant has been reported in the literature in patients diagnosed with Noonan and LEOPARD syndromes (PMID 18372317). In vitro functional studies provide evidence that the variant impacts protein function (PMID 18849586).

Institute of Human Genetics, University of Leipzig Medical Center
Classification: Pathogenic for LEOPARD syndrome 1. Last evaluated: 2025-04-30. Review status: criteria provided, single submitter. Criteria: ACMG Guidelines, 2015. Collection method: clinical testing. Allele origin: de novo. Inheritance: Autosomal dominant inheritance. Affected: yes. Not counted in ClinVar's aggregate classification.
Comment: Criteria applied: PS2,PS4,PP1_STR,PM5,PS3_SUP,PP2,PP3

Laboratory of Genetics, Children's Clinical University Hospital Latvia
Classification: Pathogenic. Last evaluated: 2025-02-16. Review status: criteria provided, single submitter. Criteria: ACMG Guidelines, 2015. Collection method: clinical testing. Allele origin: germline. Affected: yes. Not counted in ClinVar's aggregate classification.

ARUP Laboratories, Molecular Genetics and Genomics, ARUP Laboratories
Classification: Pathogenic. Last evaluated: 2025-02-03. Review status: criteria provided, single submitter. Criteria: ARUP Molecular Germline Variant Investigation Process 2024. Collection method: clinical testing. Allele origin: germline. Not counted in ClinVar's aggregate classification.
Comment: The PTPN11 c.1403C>T; p.Thr468Met variant (rs121918457) is reported in the literature in several individuals and families affected with Noonan syndrome with multiple lentigines, also known as LEOPARD syndrome, including de novo occurrences (Digilio 2002, Kato 2010, Keren 2004, Santoro 2014, Spatola 2015). This variant is also reported in ClinVar (Variation ID: 13331), and is only observed on one allele in the Genome Aggregation Database, indicating it is not a common polymorphism. Computational analyses predict that this variant is deleterious (REVEL: 0.965), and in vitro functional analyses demonstrate reduced enzyme activity (Edouard 2010, Hanna 2006, Martinelli 2008). Based on available information, this variant is considered to be pathogenic. References: Digilio MC et al. Grouping of multiple-lentigines/LEOPARD and Noonan syndromes on the PTPN11 gene. Am J Hum Genet. 2002 Aug;71(2):389-94. PMID: 12058348. Edouard T et al. Functional effects of PTPN11 (SHP2) mutations causing LEOPARD syndrome on epidermal growth factor-induced phosphoinositide 3-kinase/AKT/glycogen synthase kinase 3beta signaling. Mol Cell Biol. 2010 May;30(10):2498-507. PMID: 20308328. Hanna N et al. Reduced phosphatase activity of SHP-2 in LEOPARD syndrome: consequences for PI3K binding on Gab1. FEBS Lett. 2006 May 1;580(10):2477-82. PMID: 16638574. Kato H et al. Familial cases of atypical clinical features genetically diagnosed as LEOPARD syndrome (multiple lentigines syndrome). Int J Dermatol. 2010 Oct;49(10):1146-51. PMID: 20883402. Keren B et al. PTPN11 mutations in patients with LEOPARD syndrome: a French multicentric experience. J Med Genet. 2004 Nov;41(11):e117. PMID: 15520399. Martinelli S et al. Diverse driving forces underlie the invariant occurrence of the T42A, E139D, I282V and T468M SHP2 amino acid substitutions causing Noonan and LEOPARD syndromes. Hum Mol Genet. 2008 Jul 1;17(13):2018-29. PMID: 18372317. Santoro C et al. LEOPARD syndrome: clinical dilemmas in differential diagnosis of RASopathies. BMC Med Genet. 2014 Apr 26;15:44. PMID: 24767283. Spatola M et al. PTPN11 mutation manifesting as LEOPARD syndrome associated with hypertrophic plexi and neuropathic pain. BMC Neurol. 2015 Apr 16;15:55. PMID: 25884655.

New York Genome Center
Classification: Pathogenic for Noonan syndrome 1. Last evaluated: 2024-12-17. Review status: criteria provided, single submitter. Criteria: NYGC Assertion Criteria 2020. Collection method: clinical testing. Allele origin: inherited. Observed: 1 variant allele, 1 heterozygote. Not counted in ClinVar's aggregate classification.
Comment: The inherited heterozygous c.1403C>T variant identified in the PTPN11 gene has previously been reported in multiple unrelated individuals with clinical features of PTPN11 -associated disorders [PMID: 12058348, 17935252, 19864201, 12754702]. The c.1403C>T variant has been classified as Pathogenic for Noonan syndrome with multiple lentigines by ClinGen RASopathy Variant Curation Expert Panel [ClinVar ID: 13331] and observed in 8 alleles (~0.00049% minor allele frequency with 0 homozygotes) in population database gnomAD v4.1.0, suggesting it is not a common benign variant in the populations represented in those databases. The c.1403C>T variant is located in exon 12 of this 16-exon gene, and is predicted to replace an evolutionarily conserved threonine amino acid with methionine at position 468 (p.(Thr468Met)) in the protein tyrosine phosphatase (PTP) domain PTPN11 which is described as a mutational hot spot [PMID: 29493581, 32164556]. In vitro functional studies demonstrated defective SHP2 phosphatase activity and weakened intramolecular interactions between the N-SH2 and PTP domains leading to gain-of-function effects in cells carrying c.1403C>T variant [PMID: 18849586, 24935154]. In silico predictions are in favor of damaging effect for the p.(Thr468Met) variant [CADD v1.6= 26.7, REVEL = 0.965]. Based on available evidence this inherited c.1403C>T, p.(Thr468Met) variant identified in the PTPN11 gene is classified as Pathogenic.

Blueprint Genetics
Classification: Pathogenic for PTPN11-related disorders. Last evaluated: 2024-11-01. Review status: criteria provided, single submitter. Criteria: ACMG Guidelines, 2015. Collection method: clinical testing. Allele origin: de novo. Affected: yes. Observed: 5 variant alleles. Not counted in ClinVar's aggregate classification.

Victorian Clinical Genetics Services, Murdoch Childrens Research Institute
Classification: Pathogenic for Noonan syndrome with multiple lentigines. Last evaluated: 2024-10-31. Review status: criteria provided, single submitter. Criteria: ACMG Guidelines, 2015. Collection method: clinical testing. Allele origin: germline. Affected: yes. Not counted in ClinVar's aggregate classification.
Comment: This variant is classified as Pathogenic. Evidence in support of pathogenic classification: Variant is present in gnomAD (v4) <0.001 for a dominant condition (8 heterozygotes, 0 homozygotes); This variant has strong previous evidence of pathogenicity in unrelated individuals. This variant has been previously classified as pathogenic by an expert panel (ClinVar). Changes at this residue are the second most common cause of Noonan syndrome (PMID: 29493581); Other missense variants comparable to the one identified in this case have moderate previous evidence for pathogenicity. p.(Thr468Ala) and p.(Thr468Pro) have been classified as pathogenic (ClinVar); Variant affects known hotspot region or cluster of pathogenic variants (ClinGen expert panel, ClinVar); Missense variant consistently predicted to be damaging by multiple in silico tools or highly conserved with a major amino acid change. Additional information: Variant is predicted to result in a missense amino acid change from threonine to methionine; This gene is associated with autosomal dominant disease; Both loss of function and gain of function are known mechanisms of disease for this gene. Metachondromatosis (MIM#156250) and Noonan syndrome with multiple lentigines have been associated with loss of function variants, whereas Noonan syndrome 1 (MIM#163950) is caused by gain of function variants (PMIDs: 11992261, 24935154, 21533187); Variants in this gene are known to have variable expressivity (PMID: 20301303).